The following is an entry in ClinVar:

ClinVar aggregate classification (germline): Uncertain significance (1 of 4 stars; one submission).

Conditions:
Baller-Gerold syndrome (BGS). Also called: CRANIOSYNOSTOSIS WITH RADIAL DEFECTS. Identifiers: Orphanet 1225, MedGen C0265308, MONDO:0009039, OMIM 218600.

Allele frequency attached by ClinVar (database versions not stated): gnomAD 0.00001; TOPMed 0.00002.
gnomAD v4.1: 4 of 1,576,658 alleles (0.00025%); highest among the groups gnomAD compares: Admixed American, 0.0037%; no homozygotes.

Submission:

Labcorp Genetics (formerly Invitae), Labcorp
Classification: Uncertain significance for Baller-Gerold syndrome. Last evaluated: 2026-01-05. Review status: criteria provided, single submitter. Criteria: Invitae Variant Classification Sherloc (09022015). Collection method: clinical testing. Allele origin: germline.
Comment: This sequence change replaces cysteine, which is neutral and slightly polar, with glycine, which is neutral and non-polar, at codon 855 of the RECQL4 protein (p.Cys855Gly). This variant is not present in population databases (gnomAD no frequency). This variant has not been reported in the literature in individuals affected with RECQL4-related conditions. ClinVar contains an entry for this variant (Variation ID: 959042). Invitae Evidence Modeling of protein sequence and biophysical properties (such as structural, functional, and spatial information, amino acid conservation, physicochemical variation, residue mobility, and thermodynamic stability) indicates that this missense variant is expected to disrupt RECQL4 protein function with a positive predictive value of 80%. In summary, the available evidence is currently insufficient to determine the role of this variant in disease. Therefore, it has been classified as a Variant of Uncertain Significance.

NM_004260.4(RECQL4):c.2563T>G (p.Cys855Gly)

Gene: RECQL4 (RecQ like helicase 4; minus strand). Cytogenetic location: 8q24.3.
Variant type: single nucleotide variant.
Coding change: c.2563T>G on transcript NM_004260.4 (MANE Select); coding-DNA position 2563, T replaced by G.
Protein change: p.Cys855Gly; replaces cysteine 855 with glycine.
Molecular consequence: missense variant.
Genome position (GRCh38, 1-based): chr8:144,513,039, A>C on the plus strand (T>G on the coding strand, the complement: RECQL4 is on the minus strand). VCF-style: chr8-144513039-A-C. GRCh37 (hg19) VCF-style: chr8-145738422-A-C.
Other names: short protein forms C855G.
Identifiers: ClinVar variation 959042 (VCV000959042.8), dbSNP rs867982056, ClinGen allele CA187681709.